The following is an entry in ClinVar:

ClinVar aggregate classification (germline): Benign (1 of 4 stars; one submission).

Allele frequency attached by ClinVar (database versions not stated): 1000 Genomes Project 0.00200; 1000 Genomes Project 30x 0.00219; ESP Exome Variant Server 0.00669; ExAC 0.00751; gnomAD exomes 0.00894.

Submissions (18):

CeGaT Center for Human Genetics Tuebingen
Classification: Benign. Last evaluated: 2023-12-01. Review status: criteria provided, single submitter. Criteria: CeGaT Center For Human Genetics Tuebingen Variant Classification Criteria Version 2. Collection method: clinical testing. Allele origin: germline. Affected: yes. Observed: 1 variant allele.
Comment: THBS4: BS1, BS2

Dr. Peter K. Rogan Lab, Western University
No classification provided (evidence only). Condition: Chronic lymphocytic leukemia/small lymphocytic lymphoma. Review status: no classification provided. Collection method: in vitro. Allele origin: not applicable. Functional consequence: retained intron. Not counted in ClinVar's aggregate classification.

Dr. Peter K. Rogan Lab, Western University
No classification provided (evidence only). Condition: Lymphoma. Review status: no classification provided. Collection method: in vitro. Allele origin: not applicable. Functional consequence: retained intron. Not counted in ClinVar's aggregate classification.

Dr. Peter K. Rogan Lab, Western University
No classification provided (evidence only). Condition: Melanoma. Review status: no classification provided. Collection method: in vitro. Allele origin: not applicable. Functional consequence: retained intron. Not counted in ClinVar's aggregate classification.

Dr. Peter K. Rogan Lab, Western University
No classification provided (evidence only). Condition: Melanoma. Review status: no classification provided. Collection method: in vitro. Allele origin: not applicable. Functional consequence: retained intron. Not counted in ClinVar's aggregate classification.

Dr. Peter K. Rogan Lab, Western University
No classification provided (evidence only). Condition: Melanoma. Review status: no classification provided. Collection method: in vitro. Allele origin: not applicable. Functional consequence: retained intron. Not counted in ClinVar's aggregate classification.

Dr. Peter K. Rogan Lab, Western University
No classification provided (evidence only). Condition: Acute myeloid leukemia. Review status: no classification provided. Collection method: in vitro. Allele origin: not applicable. Functional consequence: retained intron. Not counted in ClinVar's aggregate classification.

Dr. Peter K. Rogan Lab, Western University
No classification provided (evidence only). Condition: Uterine corpus endometrial carcinoma. Review status: no classification provided. Collection method: in vitro. Allele origin: not applicable. Functional consequence: retained intron. Not counted in ClinVar's aggregate classification.

Dr. Peter K. Rogan Lab, Western University
No classification provided (evidence only). Condition: Uterine corpus endometrial carcinoma. Review status: no classification provided. Collection method: in vitro. Allele origin: not applicable. Functional consequence: retained intron. Not counted in ClinVar's aggregate classification.

Dr. Peter K. Rogan Lab, Western University
No classification provided (evidence only). Condition: Cervical cancer. Review status: no classification provided. Collection method: in vitro. Allele origin: not applicable. Functional consequence: retained intron. Not counted in ClinVar's aggregate classification.

Dr. Peter K. Rogan Lab, Western University
No classification provided (evidence only). Condition: Ovarian serous cystadenocarcinoma. Review status: no classification provided. Collection method: in vitro. Allele origin: not applicable. Functional consequence: retained intron. Not counted in ClinVar's aggregate classification.

Dr. Peter K. Rogan Lab, Western University
No classification provided (evidence only). Condition: Gastric cancer. Review status: no classification provided. Collection method: in vitro. Allele origin: not applicable. Functional consequence: retained intron. Not counted in ClinVar's aggregate classification.

Dr. Peter K. Rogan Lab, Western University
No classification provided (evidence only). Condition: Gastric cancer. Review status: no classification provided. Collection method: in vitro. Allele origin: not applicable. Functional consequence: retained intron. Not counted in ClinVar's aggregate classification.

Dr. Peter K. Rogan Lab, Western University
No classification provided (evidence only). Condition: Gastric cancer. Review status: no classification provided. Collection method: in vitro. Allele origin: not applicable. Functional consequence: retained intron. Not counted in ClinVar's aggregate classification.

Dr. Peter K. Rogan Lab, Western University
No classification provided (evidence only). Condition: Gastric cancer. Review status: no classification provided. Collection method: in vitro. Allele origin: not applicable. Functional consequence: retained intron. Not counted in ClinVar's aggregate classification.

Dr. Peter K. Rogan Lab, Western University
No classification provided (evidence only). Condition: Malignant tumor of esophagus. Review status: no classification provided. Collection method: in vitro. Allele origin: not applicable. Functional consequence: retained intron. Not counted in ClinVar's aggregate classification.

Dr. Peter K. Rogan Lab, Western University
No classification provided (evidence only). Condition: Malignant tumor of esophagus. Review status: no classification provided. Collection method: in vitro. Allele origin: not applicable. Functional consequence: retained intron. Not counted in ClinVar's aggregate classification.

Dr. Peter K. Rogan Lab, Western University
No classification provided (evidence only). Condition: Malignant tumor of esophagus. Review status: no classification provided. Collection method: in vitro. Allele origin: not applicable. Functional consequence: retained intron. Not counted in ClinVar's aggregate classification.

NM_003248.6(THBS4):c.785-3T>G

Gene: THBS4 (thrombospondin 4; plus strand). Cytogenetic location: 5q14.1.
Variant type: single nucleotide variant.
Coding change: c.785-3T>G on transcript NM_003248.6 (MANE Select); 3 bases into the intron before coding-DNA position 785, T replaced by G.
Molecular consequence: intron variant.
Genome position (GRCh38, 1-based): chr5:80,059,700, T>G. VCF-style: chr5-80059700-T-G. GRCh37 (hg19) VCF-style: chr5-79355523-T-G.
Other names: NC_000005.9:g.79355523T>G; c.512-3T>G (NM_001306213.2, NM_001306212.2, NM_001306214.2).
Identifiers: ClinVar variation 3024840 (VCV003024840.23), dbSNP rs115017662, ClinGen allele CA3323999.
Genomic context (GRCh38, chr5:80,059,700, plus strand): 5'-TGTTTTGCCTTCTGTATATCTTCCTGGCGGTGAATACGCCTGTGGATGATTGTTTTTCTC[T>G]AGGTCCTCTCAAGTTTCAGTCTCCGACCCCAAGCACGGTGGTGCCCCCGGCTCCCCCTGC-3'